The following is an entry in ClinVar:

ClinVar aggregate classification (germline): Benign (1 of 4 stars; one submission).

Conditions:
Coxopodopatellar syndrome. Also called: ISCHIOPATELLAR DYSPLASIA; SCOTT-TAOR SYNDROME; Small patella syndrome; ISCHIOCOXOPODOPATELLAR SYNDROME; PATELLA APLASIA, COXA VARA, AND TARSAL SYNOSTOSIS; Congenital coxa vara, patella aplasia and tarsal synostosis. Identifiers: Orphanet 1509, MedGen C1840061, MONDO:0007841, OMIM 147891.

Allele frequency attached by ClinVar (database versions not stated): 1000 Genomes Project 0.00080; 1000 Genomes Project 30x 0.00094; gnomAD 0.00131 and 0.00145; TOPMed 0.00150.

Submission:

Illumina Laboratory Services, Illumina
Classification: Benign for Coxopodopatellar syndrome. Last evaluated: 2018-01-12. Review status: criteria provided, single submitter. Criteria: ICSL Variant Classification Criteria 13 December 2019. Collection method: clinical testing. Allele origin: germline.
Comment: This variant was observed in the ICSL laboratory as part of a predisposition screen in an ostensibly healthy population. It had not been previously curated by ICSL or reported in the Human Gene Mutation Database (HGMD: prior to June 1st, 2018), and was therefore a candidate for classification through an automated scoring system. Utilizing variant allele frequency, disease prevalence and penetrance estimates, and inheritance mode, an automated score was calculated to assess if this variant is too frequent to cause the disease. Based on the score and internal cut-off values, a variant classified as benign is not then subjected to further curation. The score for this variant resulted in a classification of benign for this disease.

NM_001321120.2(TBX4):c.*722C>A

Gene: TBX4 (T-box transcription factor 4; plus strand). Cytogenetic location: 17q23.2.
Variant type: single nucleotide variant.
Coding change: c.*722C>A on transcript NM_001321120.2 (MANE Select); 722 bases downstream of the stop codon, C replaced by A.
Molecular consequence: 3 prime UTR variant.
Genome position (GRCh38, 1-based): chr17:61,484,238, C>A. VCF-style: chr17-61484238-C-A. GRCh37 (hg19) VCF-style: chr17-59561599-C-A.
Other names: c.*722C>A (NM_018488.3, LRG_1206t1).
Identifiers: ClinVar variation 324285 (VCV000324285.5), dbSNP rs377432317, ClinGen allele CA10646310.